The following is an entry in ClinVar:

NM_001122681.2(SH3BP2):c.1150C>T (p.Arg384Trp)

Gene: SH3BP2 (SH3 domain binding protein 2; plus strand). Cytogenetic location: 4p16.3.
Variant type: single nucleotide variant.
Coding change: c.1150C>T on transcript NM_001122681.2 (MANE Select); coding-DNA position 1150, C replaced by T.
Protein change: p.Arg384Trp; replaces arginine 384 with tryptophan.
Molecular consequence: missense variant.
Genome position (GRCh38, 1-based): chr4:2,830,056, C>T. VCF-style: chr4-2830056-C-T. GRCh37 (hg19) VCF-style: chr4-2831783-C-T.
Other names: c.1234C>T, p.Arg412Trp (NM_001145855.2, LRG_1334t2); c.1321C>T, p.Arg441Trp (NM_001145856.2); c.1150C>T, p.Arg384Trp (NM_003023.4, LRG_1334t1); short protein forms R384W, R412W, R441W.
Identifiers: ClinVar variation 348585 (VCV000348585.10), dbSNP rs529543434, ClinGen allele CA2819399.
Genomic context (GRCh38, chr4:2,830,056, plus strand): 5'-GAAGAGGACCCCCCAAGGGAGGCAGCCATGCCCGGACTCTTTGTGCCCCCCGTGGCTCCC[C>T]GGCCTCCTGCGCTGAAGCTGCCAGTGCCTGAGGCCATGGCGCGGCCCGCAGTCCTGCCCA-3'
Protein context (NP_001116153.1, residues 374-394): PGLFVPPVAP[Arg384Trp]PPALKLPVPE

ClinVar aggregate classification (germline): Uncertain significance (1 of 4 stars; one submission).

Conditions:
Fibrous dysplasia of jaw (CRBM). Also called: Cherubism. Identifiers: Orphanet 184, MedGen C0008029, MONDO:0007315, OMIM 118400.

Allele frequency attached by ClinVar (database versions not stated): ExAC 0.00002; TOPMed 0.00002; gnomAD exomes 0.00003; gnomAD 0.00006 and 0.00007; 1000 Genomes Project 0.00020; 1000 Genomes Project 30x 0.00031.
gnomAD v4.1: 70 of 1,611,768 alleles (0.0043%); highest among the groups gnomAD compares: African/African-American, 0.008%; no homozygotes.

Submission:

Labcorp Genetics (formerly Invitae), Labcorp
Classification: Uncertain significance for Fibrous dysplasia of jaw. Last evaluated: 2025-03-10. Review status: criteria provided, single submitter. Criteria: Invitae Variant Classification Sherloc (09022015). Collection method: clinical testing. Allele origin: germline.
Comment: This sequence change replaces arginine, which is basic and polar, with tryptophan, which is neutral and slightly polar, at codon 384 of the SH3BP2 protein (p.Arg384Trp). This variant is present in population databases (rs529543434, gnomAD 0.01%). This variant has not been reported in the literature in individuals affected with SH3BP2-related conditions. ClinVar contains an entry for this variant (Variation ID: 348585). Invitae Evidence Modeling of protein sequence and biophysical properties (such as structural, functional, and spatial information, amino acid conservation, physicochemical variation, residue mobility, and thermodynamic stability) indicates that this missense variant is not expected to disrupt SH3BP2 protein function with a negative predictive value of 95%. In summary, the available evidence is currently insufficient to determine the role of this variant in disease. Therefore, it has been classified as a Variant of Uncertain Significance.